The following is an entry in ClinVar:

NM_001232.4(CASQ2):c.176C>T (p.Pro59Leu)

Gene: CASQ2 (calsequestrin 2; minus strand). Cytogenetic location: 1p13.1.
Variant type: single nucleotide variant.
Coding change: c.176C>T on transcript NM_001232.4 (MANE Select); coding-DNA position 176, C replaced by T.
Protein change: p.Pro59Leu; replaces proline 59 with leucine.
Molecular consequence: missense variant.
Genome position (GRCh38, 1-based): chr1:115,768,366, G>A on the plus strand (C>T on the coding strand, the complement: CASQ2 is on the minus strand). VCF-style: chr1-115768366-G-A. GRCh37 (hg19) VCF-style: chr1-116310987-G-A.
Other names: short protein forms P59L.
Identifiers: ClinVar variation 3221459 (VCV003221459.2), dbSNP rs2526106120, ClinGen allele CA341767084.

ClinVar aggregate classification (germline): Uncertain significance. Review status: criteria provided, multiple submitters, no conflicts (2 of 4 stars). 2 submissions from 2 submitters: Uncertain significance (2). Last evaluated 2025-07-27.

Conditions:
Catecholaminergic polymorphic ventricular tachycardia 1. Also called: VENTRICULAR TACHYCARDIA, CATECHOLAMINERGIC POLYMORPHIC, 1, WITH OR WITHOUT ATRIAL DYSFUNCTION AND/OR DILATED CARDIOMYOPATHY; VENTRICULAR TACHYCARDIA, STRESS-INDUCED POLYMORPHIC 1; RYR2-Related Catecholaminergic Polymorphic Ventricular Tachycardia. Identifiers: Orphanet 3286, MedGen C1631597, MONDO:0011484, OMIM 604772.
Cardiovascular phenotype. Identifiers: MedGen CN230736.

Allele frequency attached by ClinVar (database versions not stated): gnomAD exomes 0.00001.
gnomAD v4.1: 18 of 1,614,028 alleles (0.0011%); highest among the groups gnomAD compares: Non-Finnish European, 0.0014%; no homozygotes.

Submissions (2):

Labcorp Genetics (formerly Invitae), Labcorp
Classification: Uncertain significance for Catecholaminergic polymorphic ventricular tachycardia 1. Last evaluated: 2025-07-27. Review status: criteria provided, single submitter. Criteria: Invitae Variant Classification Sherloc (09022015). Collection method: clinical testing. Allele origin: germline.
Comment: This sequence change replaces proline, which is neutral and non-polar, with leucine, which is neutral and non-polar, at codon 59 of the CASQ2 protein (p.Pro59Leu). This variant is not present in population databases (gnomAD no frequency). This variant has not been reported in the literature in individuals affected with CASQ2-related conditions. ClinVar contains an entry for this variant (Variation ID: 3221459). Invitae Evidence Modeling of protein sequence and biophysical properties (such as structural, functional, and spatial information, amino acid conservation, physicochemical variation, residue mobility, and thermodynamic stability) has been performed for this missense variant. However, the output from this modeling did not meet the statistical confidence thresholds required to predict the impact of this variant on CASQ2 protein function. In summary, the available evidence is currently insufficient to determine the role of this variant in disease. Therefore, it has been classified as a Variant of Uncertain Significance.

Ambry Genetics
Classification: Uncertain significance for Cardiovascular phenotype. Last evaluated: 2023-10-19. Review status: criteria provided, single submitter. Criteria: Ambry Variant Classification Scheme 2023. Collection method: clinical testing. Allele origin: germline.
Comment: The p.P59L variant (also known as c.176C>T), located in coding exon 1 of the CASQ2 gene, results from a C to T substitution at nucleotide position 176. The proline at codon 59 is replaced by leucine, an amino acid with similar properties. This amino acid position is conserved. In addition, the in silico prediction for this alteration is inconclusive. Since supporting evidence is limited at this time, the clinical significance of this alteration remains unclear.